The following is an entry in ClinVar:

ClinVar aggregate classification (germline): Conflicting classifications of pathogenicity. Review status: criteria provided, conflicting classifications (1 of 4 stars). 13 submissions from 11 submitters: Uncertain significance (10); Likely benign (1). 2 of the submissions do not count toward it. Last evaluated 2026-03-03.

Conditions:
TMEM67-related disorder. Also called: TMEM67-related condition; TMEM67-related disorders. Identifiers: MedGen CN239423.
Joubert syndrome. Also called: Familial aplasia of the vermis; JOUBERT-BOLTSHAUSER SYNDROME. Identifiers: Orphanet 475, MedGen C5979921, MONDO:0018772.
Meckel-Gruber syndrome. Also called: Dysencephalia splachnocystica; DYSENCEPHALIA SPLANCHNOCYSTICA; GRUBER SYNDROME. Identifiers: Orphanet 564, MedGen C0265215, MONDO:0018921.
Bardet-Biedl syndrome 14 (BBS14). Identifiers: Orphanet 110, MedGen C2673874, MONDO:0014442, OMIM 615991.
Meckel syndrome, type 3 (MKS3). Also called: MECKEL-GRUBER SYNDROME, TYPE 3. Identifiers: Orphanet 564, MedGen C1846357, MONDO:0011821, OMIM 607361.
Joubert syndrome 6 (JBTS6). Identifiers: Orphanet 475, MedGen C1853153, MONDO:0012539, OMIM 610688.
Nephronophthisis 11 (NPHP11). Identifiers: Orphanet 84081, MedGen C3150796, MONDO:0013302, OMIM 613550.
COACH syndrome 1. Identifiers: Orphanet 1454, MedGen C5435651, MONDO:0800103, OMIM 216360, MONDO:0008996.
RHYNS syndrome. Also called: RETINITIS PIGMENTOSA SYNDROME; RETINITIS PIGMENTOSA, HYPOPITUITARISM, NEPHRONOPHTHISIS, AND MILD SKELETAL DYSPLASIA. Identifiers: Orphanet 140976, MedGen C1865794, MONDO:0011202, OMIM 602152.

Allele frequency attached by ClinVar (database versions not stated): TOPMed 0.00019; gnomAD 0.00021 and 0.00023; ExAC 0.00030; ESP Exome Variant Server 0.00031.
gnomAD v4.1: 447 of 1,613,904 alleles (0.028%); highest among the groups gnomAD compares: Non-Finnish European, 0.036%; 1 homozygote.

Submissions (13):

Women's Health and Genetics/Laboratory Corporation of America, LabCorp
Classification: Uncertain significance. Last evaluated: 2026-03-03. Review status: criteria provided, single submitter. Criteria: LabCorp Variant Classification Summary - May 2015. Collection method: clinical testing. Allele origin: germline.
Comment: Variant summary: TMEM67 c.1379G>C (p.Arg460Thr) results in a non-conservative amino acid change in the encoded protein sequence. Algorithms developed to predict the effect of missense changes on protein structure and function all suggest that this variant is likely to be disruptive. The variant allele was found at a frequency of 0.00029 in 251348 control chromosomes (gnomAD). This frequency is not significantly higher than estimated for disease-causing variants in TMEM67, allowing no conclusion about variant significance. c.1379G>C has been observed in one individual affected with nephronophthisis-related ciliopathy (Stokman_2018). This report does not provide unequivocal conclusions about association of the variant with Joubert Syndrome And Related Disorders. To our knowledge, no experimental evidence demonstrating an impact on protein function has been reported. The following publication has been ascertained in the context of this evaluation (PMID: 29974258). ClinVar contains an entry for this variant (Variation ID: 661970). Based on the evidence outlined above, the variant was classified as uncertain significance.

PreventionGenetics, part of Exact Sciences
Classification: Uncertain significance for TMEM67-related condition. Last evaluated: 2026-02-16. Review status: criteria provided, single submitter. Criteria: ACMG Guidelines, 2015. Collection method: clinical testing. Allele origin: germline.
Comment: The TMEM67 c.1379G>C variant is predicted to result in the amino acid substitution p.Arg460Thr. This variant has been reported in the compound heterozygous state in an individual with nephronophthisis-related ciliopathy (Stokman et al. 2018. PubMed ID: 29974258) and also reported in the heterozygous state in an individual with severe obesity and hyperintensity in the region of dentate nuclei and globus pallidus on MRI who is also homozygous for a variant in MYORG, leading to a diagnosis of Fahr's disease (Piekarska et al. 2025. PubMed ID: 41465080). This variant is reported in 0.062% of alleles in individuals of European (non-Finnish) descent in gnomAD. At this time, the clinical significance of this variant is uncertain due to the absence of conclusive functional and genetic evidence.

Labcorp Genetics (formerly Invitae), Labcorp
Classification: Uncertain significance for Joubert syndrome; Meckel-Gruber syndrome. Last evaluated: 2025-01-27. Review status: criteria provided, single submitter. Criteria: Invitae Variant Classification Sherloc (09022015). Collection method: clinical testing. Allele origin: germline.
Comment: This sequence change replaces arginine, which is basic and polar, with threonine, which is neutral and polar, at codon 460 of the TMEM67 protein (p.Arg460Thr). This variant is present in population databases (rs375991767, gnomAD 0.06%). This missense change has been observed in individual(s) with a nephronophthisis-related ciliopathy (PMID: 29974258). ClinVar contains an entry for this variant (Variation ID: 661970). Invitae Evidence Modeling of protein sequence and biophysical properties (such as structural, functional, and spatial information, amino acid conservation, physicochemical variation, residue mobility, and thermodynamic stability) has been performed for this missense variant. However, the output from this modeling did not meet the statistical confidence thresholds required to predict the impact of this variant on TMEM67 protein function. In summary, the available evidence is currently insufficient to determine the role of this variant in disease. Therefore, it has been classified as a Variant of Uncertain Significance.

GeneDx
Classification: Uncertain significance. Last evaluated: 2024-12-11. Review status: criteria provided, single submitter. Criteria: GeneDx Variant Classification Process June 2021. Collection method: clinical testing. Allele origin: germline. Affected: yes.
Comment: In silico analysis indicates that this missense variant does not alter protein structure/function; This variant is associated with the following publications: (PMID: 29974258)

Blueprint Genetics
Classification: Likely benign. Last evaluated: 2024-11-11. Review status: criteria provided, single submitter. Criteria: ACMG Guidelines, 2015. Collection method: clinical testing. Allele origin: germline.

Mayo Clinic Laboratories, Mayo Clinic
Classification: Uncertain significance. Last evaluated: 2023-04-19. Review status: criteria provided, single submitter. Criteria: ACMG Guidelines, 2015. Collection method: clinical testing. Allele origin: germline. Observed: 2 variant alleles.

Fulgent Genetics
Classification: Uncertain significance for COACH syndrome 1; RHYNS syndrome; Meckel syndrome, type 3; Joubert syndrome 6; Nephronophthisis 11; Bardet-Biedl syndrome 14. Last evaluated: 2022-01-06. Review status: criteria provided, single submitter. Criteria: ACMG Guidelines, 2015. Collection method: clinical testing. Allele origin: unknown.

Illumina Laboratory Services, Illumina
Classification: Uncertain significance for Nephronophthisis 11. Last evaluated: 2018-01-13. Review status: criteria provided, single submitter. Criteria: ICSL Variant Classification Criteria 13 December 2019. Collection method: clinical testing. Allele origin: germline.

Illumina Laboratory Services, Illumina
Classification: Uncertain significance for Meckel syndrome, type 3. Last evaluated: 2018-01-13. Review status: criteria provided, single submitter. Criteria: ICSL Variant Classification Criteria 13 December 2019. Collection method: clinical testing. Allele origin: germline.

Illumina Laboratory Services, Illumina
Classification: Uncertain significance for Joubert syndrome 6. Last evaluated: 2018-01-13. Review status: criteria provided, single submitter. Criteria: ICSL Variant Classification Criteria 13 December 2019. Collection method: clinical testing. Allele origin: germline.

CeGaT Center for Human Genetics Tuebingen
Classification: Uncertain significance. Last evaluated: 2017-05-01. Review status: criteria provided, single submitter. Criteria: CeGaT Center For Human Genetics Tuebingen Variant Classification Criteria Version 2. Collection method: clinical testing. Allele origin: germline. Affected: yes. Observed: 1 variant allele.

Clinical Genetics DNA and cytogenetics Diagnostics Lab, Erasmus MC, Erasmus Medical Center
Classification: Likely benign. Review status: no assertion criteria provided. Collection method: clinical testing. Allele origin: germline. Affected: yes. Study: VKGL Data-share Consensus. Not counted in ClinVar's aggregate classification.

Genome Diagnostics Laboratory, University Medical Center Utrecht
Classification: Likely benign. Review status: no assertion criteria provided. Collection method: clinical testing. Allele origin: germline. Affected: yes. Study: VKGL Data-share Consensus. Not counted in ClinVar's aggregate classification.

Literature cited by the submitters: PubMed 29974258 (cited by 3 submitters).

NM_153704.6(TMEM67):c.1379G>C (p.Arg460Thr)

Gene: TMEM67 (transmembrane protein 67; plus strand). Cytogenetic location: 8q22.1.
Variant type: single nucleotide variant.
Coding change: c.1379G>C on transcript NM_153704.6 (MANE Select); coding-DNA position 1379, G replaced by C.
Protein change: p.Arg460Thr; replaces arginine 460 with threonine.
Molecular consequence: missense variant. On other transcripts: non-coding transcript variant (1).
Genome position (GRCh38, 1-based): chr8:93,786,313, G>C. VCF-style: chr8-93786313-G-C. GRCh37 (hg19) VCF-style: chr8-94798541-G-C.
Other names: p.Arg460Thr; c.1136G>C, p.Arg379Thr (NM_001142301.1); short protein forms R379T, R460T.
Identifiers: ClinVar variation 661970 (VCV000661970.61), dbSNP rs375991767, ClinGen allele CA4807939.